The following is an entry in ClinVar:

NM_001111125.3(IQSEC2):c.2563C>T (p.Arg855Ter)

Gene: IQSEC2 (IQ motif and Sec7 domain ArfGEF 2; minus strand). Cytogenetic location: Xp11.22.
Variant type: single nucleotide variant.
Coding change: c.2563C>T on transcript NM_001111125.3 (MANE Select); coding-DNA position 2563, C replaced by T.
Protein change: p.Arg855Ter; replaces arginine 855 with a stop codon.
Molecular consequence: nonsense.
Genome position (GRCh38, 1-based): chrX:53,248,133, G>A on the plus strand (C>T on the coding strand, the complement: IQSEC2 is on the minus strand). VCF-style: chrX-53248133-G-A. GRCh37 (hg19) VCF-style: chrX-53277315-G-A.
Other names: c.1948C>T, p.Arg650Ter (NM_015075.2); c.2563C>T (NM_001111125.1); short protein forms R855*, R650*.
Identifiers: ClinVar variation 126417 (VCV000126417.18), dbSNP rs587777261, ClinGen allele CA286512.

ClinVar aggregate classification (germline): Pathogenic. Review status: criteria provided, multiple submitters, no conflicts (2 of 4 stars). 6 submissions from 6 submitters: Pathogenic (5). 1 of the submissions does not count toward it. Last evaluated 2025-05-27.

Conditions:
NEURODEVELOPMENTAL DISORDER, X-LINKED, WITH POOR OR ABSENT SPEECH AND BEHAVIORAL ABNORMALITIES (NEDXSB). Identifiers: MedGen CN381607, OMIM 301164.
IQSEC2-related disorder. Also called: IQSEC2-related condition.
Inborn genetic diseases. Identifiers: MedGen C0950123, MeSH D030342.
Intellectual developmental disorder, X-linked 1. Also called: Atkin Flaitz Patil Smith syndrome; Intellectual disability, X-linked 1; MENTAL RETARDATION, X-LINKED 18; MENTAL RETARDATION, X-LINKED 78. Identifiers: Orphanet 777, MedGen C2931498, MONDO:0010656, OMIM 309530.

Submissions (6):

Women's Health and Genetics/Laboratory Corporation of America, LabCorp
Classification: Pathogenic for Intellectual developmental disorder, X-linked 1. Last evaluated: 2025-05-27. Review status: criteria provided, single submitter. Criteria: LabCorp Variant Classification Summary - May 2015. Collection method: clinical testing. Allele origin: germline.
Comment: Variant summary: IQSEC2 c.2563C>T (p.Arg855X) results in a premature termination codon, predicted to cause a truncation of the encoded protein or absence of the protein due to nonsense mediated decay, which are commonly known mechanisms for disease. The variant was absent in 180854 control chromosomes. c.2563C>T has been observed as a de novo change in an individual affected with Intellectual Disability, X-Linked 1 (Tran Mau-Them_2014). To our knowledge, no experimental evidence demonstrating an impact on protein function has been reported. The following publication have been ascertained in the context of this evaluation (PMID: 23674175). ClinVar contains an entry for this variant (Variation ID: 126417). Based on the evidence outlined above, the variant was classified as pathogenic.

Ambry Genetics
Classification: Pathogenic for Inborn genetic diseases. Last evaluated: 2024-03-06. Review status: criteria provided, single submitter. Criteria: Ambry Variant Classification Scheme 2023. Collection method: clinical testing. Allele origin: germline.
Comment: The c.2563C>T (p.R855*) alteration, located in exon 7 (coding exon 7) of the IQSEC2 gene, consists of a C to T substitution at nucleotide position 2563. This changes the amino acid from a arginine (R) to a stop codon at amino acid position 855. This alteration is expected to result in loss of function by premature protein truncation or nonsense-mediated mRNA decay. This variant was not reported in population-based cohorts in the Genome Aggregation Database (gnomAD). This variant has been determined to be the result of a de novo mutation in two individual with features consistent with IQSEC2-related neurodevelopmental disorder (Rauch, 2012; Tran Mau-Them, 2014; DECIPHER). Based on the available evidence, this alteration is classified as pathogenic.

GeneDx
Classification: Pathogenic. Last evaluated: 2023-10-27. Review status: criteria provided, single submitter. Criteria: GeneDx Variant Classification Process June 2021. Collection method: clinical testing. Allele origin: germline. Affected: yes.
Comment: Nonsense variant predicted to result in protein truncation or nonsense mediated decay in a gene for which loss of function is a known mechanism of disease; Not observed at significant frequency in large population cohorts (gnomAD); This variant is associated with the following publications: (PMID: 31440721, 37583270, 23674175, 28191890, 23020937, 35813072)

Labcorp Genetics (formerly Invitae), Labcorp
Classification: Pathogenic for Intellectual developmental disorder, X-linked 1. Last evaluated: 2023-07-07. Review status: criteria provided, single submitter. Criteria: Invitae Variant Classification Sherloc (09022015). Collection method: clinical testing. Allele origin: germline.
Comment: ClinVar contains an entry for this variant (Variation ID: 126417). This premature translational stop signal has been observed in individual(s) with muscular hypotonia, motor delay, brachycephaly, strabismus and autistic behaviour including avoiding eye contact, repetitive hand movements, and microcephaly (PMID: 23674175; Invitae). In at least one individual the variant was observed to be de novo. This variant is not present in population databases (gnomAD no frequency). This sequence change creates a premature translational stop signal (p.Arg855*) in the IQSEC2 gene. It is expected to result in an absent or disrupted protein product. Loss-of-function variants in IQSEC2 are known to be pathogenic (PMID: 21686261, 26793055, 27665735). Algorithms developed to predict the effect of sequence changes on RNA splicing suggest that this variant may create or strengthen a splice site. For these reasons, this variant has been classified as Pathogenic.

Blueprint Genetics
Classification: Pathogenic for IQSEC2-related disorders. Last evaluated: 2022-04-06. Review status: criteria provided, single submitter. Criteria: ACMG Guidelines, 2015. Collection method: clinical testing. Allele origin: germline. Affected: yes. Observed: 1 variant allele.

OMIM
Classification: Pathogenic for NEURODEVELOPMENTAL DISORDER, X-LINKED, WITH ABSENT SPEECH AND BEHAVIORAL ABNORMALITIES. Last evaluated: 2014-02-01. Review status: no assertion criteria provided. Collection method: literature only. Allele origin: germline. Not counted in ClinVar's aggregate classification.

Literature cited by the submitters: PubMed 23674175 (cited by 4 submitters); PubMed 23020937 (cited by Ambry Genetics); PubMed 21686261 (cited by Labcorp Genetics (formerly Invitae), Labcorp); PubMed 26793055 (cited by Labcorp Genetics (formerly Invitae), Labcorp); PubMed 27665735 (cited by Labcorp Genetics (formerly Invitae), Labcorp).